The following is an entry in ClinVar:

ClinVar aggregate classification (germline): Pathogenic. Review status: criteria provided, multiple submitters, no conflicts (2 of 4 stars). 2 submissions from 2 submitters: Pathogenic (2). Last evaluated 2025-03-10.

Conditions:
Hereditary breast ovarian cancer syndrome. Also called: Hereditary breast and ovarian cancer syndrome (HBOC); Hereditary breast and/or ovarian cancer syndrome; Hereditary breast and ovarian cancer; BRCA1- and BRCA2-Associated Hereditary Breast and Ovarian Cancer; Hereditary breast and ovarian cancer syndrome; Breast and ovarian cancer. Identifiers: Orphanet 145, MedGen C0677776, MeSH D061325, MONDO:0003582. Disease mechanism: loss of function.
Hereditary cancer-predisposing syndrome. Also called: Tumor predisposition; Hereditary neoplastic syndrome; Neoplastic Syndromes, Hereditary; Hereditary Cancer Syndrome. Identifiers: Orphanet 140162, MedGen C0027672, MeSH D009386, MONDO:0015356.

Submissions (2):

Ambry Genetics
Classification: Pathogenic for Hereditary cancer-predisposing syndrome. Last evaluated: 2025-03-10. Review status: criteria provided, single submitter. Criteria: Ambry Variant Classification Scheme 2023. Collection method: clinical testing. Allele origin: germline.
Comment: The c.4463_4467dupATAAA pathogenic mutation, located in coding exon 12 of the BRCA1 gene, results from a duplication of ATAAA at nucleotide position 4463, causing a translational frameshift with a predicted alternate stop codon (p.E1490Ifs*17). This variant is considered to be rare based on population cohorts in the Genome Aggregation Database (gnomAD). This alteration is expected to result in loss of function by premature protein truncation or nonsense-mediated mRNA decay. As such, this alteration is interpreted as a disease-causing mutation.

Labcorp Genetics (formerly Invitae), Labcorp
Classification: Pathogenic for Hereditary breast ovarian cancer syndrome. Last evaluated: 2020-07-15. Review status: criteria provided, single submitter. Criteria: Invitae Variant Classification Sherloc (09022015). Collection method: clinical testing. Allele origin: germline.
Comment: This sequence change creates a premature translational stop signal (p.Glu1490Ilefs*17) in the BRCA1 gene. It is expected to result in an absent or disrupted protein product. This variant is not present in population databases (ExAC no frequency). This variant has not been reported in the literature in individuals with BRCA1-related conditions. Loss-of-function variants in BRCA1 are known to be pathogenic (PMID: 20104584). For these reasons, this variant has been classified as Pathogenic.

Literature cited by the submitters: PubMed 20104584 (cited by Labcorp Genetics (formerly Invitae), Labcorp).

NM_007294.4(BRCA1):c.4463_4467dup (p.Glu1490fs)

Gene: BRCA1 (BRCA1 DNA repair associated; minus strand). Cytogenetic location: 17q21.31.
Variant type: Duplication.
Coding change: c.4463_4467dup on transcript NM_007294.4 (MANE Select); coding-DNA positions 4463 to 4467, 5 bases duplicated (ATAAA; older notation c.4463_4467dupATAAA).
Protein change: p.Glu1490fs; shifts the reading frame from glutamic acid 1490.
Molecular consequence: frameshift variant. On other transcripts: non-coding transcript variant (1).
Genome position (GRCh38, 1-based): chr17:43,076,505-43,076,509, TTTAT duplicated on the plus strand (ATAAA on the coding strand, the reverse complement: BRCA1 is on the minus strand); duplicating any 5 consecutive bases within chr17:43,076,505-43,076,512 gives the same sequence; the c. name uses the placement nearest the transcript's 3' end. VCF-style (leftmost placement, unchanged base first): chr17-43076504-C-CTTTAT. GRCh37 (hg19) VCF-style: chr17-41228521-C-CTTTAT.
Other names: c.647_651dup, p.Glu219Ilefs (NM_001408512.1); c.4322_4326dup, p.Glu1443fs (NM_007297.4); c.1148_1152dup, p.Glu386Ilefs (NM_007298.4, NM_007304.2, NM_001407979.1 and 12 more transcripts); c.1151_1155dup, p.Glu386fs (NM_007299.4); c.4526_4530dup, p.Glu1511fs (NM_007300.4); c.4247_4251dup, p.Glu1419Ilefs (NM_001407571.1, NM_001407894.1, NM_001407895.1 and 12 more transcripts); c.4526_4530dup, p.Glu1512Ilefs (NM_001407581.1, NM_001407582.1); c.4523_4527dup, p.Glu1511Ilefs (NM_001407583.1, NM_001407585.1, NM_001407587.1); and 72 more; short protein forms E1443fs, E1490fs, E1511fs, E386fs.
Identifiers: ClinVar variation 1071944 (VCV001071944.9), dbSNP rs2154059426, ClinGen allele CA2499224414.
Genomic context (GRCh38, chr17:43,076,504, plus strand): 5'-AAAGATGTCAGATACCACAGCATCTTTACATTGATGTTTCTTACCTTTCCACTCCTGGTT[C>CTTTAT]TTTATTTTTACTGGTAGAACTATCTGCAGACACCTCAAACTTGTCAGCAGAAAGGCCTTC-3'